The following is an entry in ClinVar:

NM_001330311.2(DVL1):c.1366A>G (p.Thr456Ala)

Gene: DVL1 (dishevelled segment polarity protein 1; minus strand). Cytogenetic location: 1p36.33.
Variant type: single nucleotide variant.
Coding change: c.1366A>G on transcript NM_001330311.2 (MANE Select); coding-DNA position 1366, A replaced by G.
Protein change: p.Thr456Ala; replaces threonine 456 with alanine.
Molecular consequence: missense variant.
Genome position (GRCh38, 1-based): chr1:1,338,410, T>C on the plus strand (A>G on the coding strand, the complement: DVL1 is on the minus strand). VCF-style: chr1-1338410-T-C. GRCh37 (hg19) VCF-style: chr1-1273790-T-C.
Other names: c.1291A>G, p.Thr431Ala (NM_004421.3); short protein forms T431A, T456A.
Identifiers: ClinVar variation 445553 (VCV000445553.41), dbSNP rs140107023, ClinGen allele CA520107.

ClinVar aggregate classification (germline): Likely benign. Review status: criteria provided, multiple submitters, no conflicts (2 of 4 stars). 8 submissions from 8 submitters: Likely benign (7). 1 of the submissions does not count toward it. Last evaluated 2026-01-21.

Conditions:
DVL1-related disorder. Also called: DVL1-related condition.
Autosomal dominant Robinow syndrome 2. Identifiers: Orphanet 3107, Orphanet 97360, MedGen C4225363, MONDO:0014591, OMIM 616331.
Autosomal dominant Robinow syndrome 1. Also called: FETAL FACE SYNDROME; Covesdem syndrome (formerly); Costovertebral segmentation defect with mesomelia (formerly); WNT5A-Related Robinow Syndrome, Autosomal Dominant; ACRAL DYSOSTOSIS WITH FACIAL AND GENITAL ABNORMALITIES; ROBINOW DWARFISM. Identifiers: Orphanet 3107, Orphanet 97360, MedGen C4551475, MONDO:0024455, OMIM 180700.

Allele frequency attached by ClinVar (database versions not stated): 1000 Genomes Project 30x 0.00094; 1000 Genomes Project 0.00120; gnomAD 0.00200 and 0.00213; TOPMed 0.00202; gnomAD exomes 0.00210 and 0.00338; ESP Exome Variant Server 0.00239; ExAC 0.00240.

Submissions (8):

Labcorp Genetics (formerly Invitae), Labcorp
Classification: Likely benign. Last evaluated: 2026-01-21. Review status: criteria provided, single submitter. Criteria: Invitae Variant Classification Sherloc (09022015). Collection method: clinical testing. Allele origin: germline.

CeGaT Center for Human Genetics Tuebingen
Classification: Likely benign. Last evaluated: 2025-03-01. Review status: criteria provided, single submitter. Criteria: CeGaT Center For Human Genetics Tuebingen Variant Classification Criteria Version 2. Collection method: clinical testing. Allele origin: germline. Affected: yes. Observed: 2 variant alleles.
Comment: DVL1: BP4, BS1

Blueprint Genetics
Classification: Likely benign. Last evaluated: 2024-11-08. Review status: criteria provided, single submitter. Criteria: ACMG Guidelines, 2015. Collection method: clinical testing. Allele origin: germline.

Fulgent Genetics
Classification: Likely benign for Autosomal dominant Robinow syndrome 1; Autosomal dominant Robinow syndrome 2. Last evaluated: 2021-12-16. Review status: criteria provided, single submitter. Criteria: ACMG Guidelines, 2015. Collection method: clinical testing. Allele origin: unknown.

GeneDx
Classification: Likely benign. Last evaluated: 2020-06-16. Review status: criteria provided, single submitter. Criteria: GeneDx Variant Classification Process June 2021. Collection method: clinical testing. Allele origin: germline. Affected: yes.

Center for Pediatric Genomic Medicine, Children's Mercy Hospital and Clinics
Classification: Likely benign. Last evaluated: 2017-03-20. Review status: criteria provided, single submitter. Criteria: ACMG Guidelines, 2015. Collection method: clinical testing. Allele origin: germline.

Breakthrough Genomics
Classification: Likely benign. Review status: criteria provided, single submitter. Criteria: ACMG Guidelines, 2015. Collection method: not provided. Allele origin: germline. Inheritance: Autosomal dominant inheritance. Affected: yes.

PreventionGenetics, part of Exact Sciences
Classification: Likely benign for DVL1-related condition. Last evaluated: 2022-02-04. Review status: no assertion criteria provided. Collection method: clinical testing. Allele origin: germline. Not counted in ClinVar's aggregate classification.
Comment: This variant is classified as likely benign based on ACMG/AMP sequence variant interpretation guidelines (Richards et al. 2015 PMID: 25741868, with internal and published modifications).